The following is an entry in ClinVar:

NM_001363540.2(DOCK4):c.316C>T (p.Arg106Cys)

Gene: DOCK4 (dedicator of cytokinesis 4; minus strand). Cytogenetic location: 7q31.1.
Variant type: single nucleotide variant.
Coding change: c.316C>T on transcript NM_001363540.2 (MANE Select); coding-DNA position 316, C replaced by T.
Protein change: p.Arg106Cys; replaces arginine 106 with cysteine.
Molecular consequence: missense variant.
Genome position (GRCh38, 1-based): chr7:111,989,163, G>A on the plus strand (C>T on the coding strand, the complement: DOCK4 is on the minus strand). VCF-style: chr7-111989163-G-A. GRCh37 (hg19) VCF-style: chr7-111629218-G-A.
Other names: c.316C>T, p.Arg106Cys (NM_014705.4); short protein forms R106C.
Identifiers: ClinVar variation 719385 (VCV000719385.22), dbSNP rs202246313, ClinGen allele CA4442793.

ClinVar aggregate classification (germline): Benign/Likely benign. Review status: criteria provided, multiple submitters, no conflicts (2 of 4 stars). 2 submissions from 2 submitters: Benign (1); Likely benign (1). Last evaluated 2026-07-01.

Allele frequency attached by ClinVar (database versions not stated): TOPMed 0.00178; ESP Exome Variant Server 0.00187; ExAC 0.00211; gnomAD exomes 0.00212 and 0.00275; gnomAD 0.00217 and 0.00230.

Submissions (2):

CeGaT Center for Human Genetics Tuebingen
Classification: Benign. Last evaluated: 2026-07-01. Review status: criteria provided, single submitter. Criteria: CeGaT Center For Human Genetics Tuebingen Variant Classification Criteria Version 2. Collection method: clinical testing. Allele origin: germline. Affected: yes. Observed: 7 variant alleles.
Comment: DOCK4: BS1, BS2

Labcorp Genetics (formerly Invitae), Labcorp
Classification: Likely benign. Last evaluated: 2019-12-31. Review status: criteria provided, single submitter. Criteria: Invitae Variant Classification Sherloc (09022015). Collection method: clinical testing. Allele origin: germline.